The following is an entry in ClinVar:

NM_004336.5(BUB1):c.263T>G (p.Phe88Cys)

Gene: BUB1 (BUB1 mitotic checkpoint serine/threonine kinase; minus strand). Cytogenetic location: 2q13.
Variant type: single nucleotide variant.
Coding change: c.263T>G on transcript NM_004336.5 (MANE Select); coding-DNA position 263, T replaced by G.
Protein change: p.Phe88Cys; replaces phenylalanine 88 with cysteine.
Molecular consequence: missense variant.
Genome position (GRCh38, 1-based): chr2:110,672,820, A>C on the plus strand (T>G on the coding strand, the complement: BUB1 is on the minus strand). VCF-style: chr2-110672820-A-C. GRCh37 (hg19) VCF-style: chr2-111430397-A-C.
Other names: c.203T>G, p.Phe68Cys (NM_001278616.2); c.263T>G, p.Phe88Cys (NM_001278617.2); short protein forms F68C, F88C.
Identifiers: ClinVar variation 2586143 (VCV002586143.2), dbSNP rs1366766190, ClinGen allele CA348220670.
Genomic context (GRCh38, chr2:110,672,820, plus strand): 5'-TGCCCCGCCCAGGCAATGTACAGAGGGGATGACAGGGTTCCAATCCCATGGTTGTACAGA[A>C]ACTCAAAAAATTGATGGAGGTCACTGTTGTACTCAGCCTACACGAACCCAAAACAAAAAG-3'
Protein context (NP_004327.1, residues 78-98): YNSDLHQFFE[Phe88Cys]LYNHGIGTLS

ClinVar aggregate classification (germline): Uncertain significance (1 of 4 stars; one submission).

Allele frequency attached by ClinVar (database versions not stated): gnomAD exomes below 0.00001; TOPMed below 0.00001; gnomAD 0.00001.
gnomAD v4.1: 6 of 1,609,462 alleles (0.00037%); highest among the groups gnomAD compares: Non-Finnish European, 0.00051%; no homozygotes.

Submission:

Ambry Genetics
Classification: Uncertain significance. Last evaluated: 2023-06-29. Review status: criteria provided, single submitter. Criteria: Ambry Variant Classification Scheme 2023. Collection method: clinical testing. Allele origin: germline.
Comment: The p.F88C variant (also known as c.263T>G), located in coding exon 4 of the BUB1 gene, results from a T to G substitution at nucleotide position 263. The phenylalanine at codon 88 is replaced by cysteine, an amino acid with highly dissimilar properties. This amino acid position is conserved. In addition, the in silico prediction for this alteration is inconclusive. Since supporting evidence is limited at this time, the clinical significance of this alteration remains unclear.